The following is an entry in ClinVar:

ClinVar aggregate classification (germline): Uncertain significance (1 of 4 stars; one submission).

Conditions:
Emery-Dreifuss muscular dystrophy 4, autosomal dominant (EDMD4). Also called: EMERY-DREIFUSS MUSCULAR DYSTROPHY 4 WITH VARIABLE FEATURES. Identifiers: Orphanet 261, MedGen C2751807, MONDO:0013071, OMIM 612998.
Autosomal recessive ataxia, Beauce type. Also called: SYNE1 Deficiency; Spinocerebellar ataxia, autosomal recessive 8; ATAXIA, RECESSIVE, OF BEAUCE; SYNE1-Related Autosomal Recessive Cerebellar Ataxia. Identifiers: Orphanet 88644, MedGen C1853116, MONDO:0012549, OMIM 610743.

Submission:

Labcorp Genetics (formerly Invitae), Labcorp
Classification: Uncertain significance for Emery-Dreifuss muscular dystrophy 4, autosomal dominant; Autosomal recessive ataxia, Beauce type. Last evaluated: 2026-01-12. Review status: criteria provided, single submitter. Criteria: Invitae Variant Classification Sherloc (09022015). Collection method: clinical testing. Allele origin: germline.
Comment: This sequence change replaces arginine, which is basic and polar, with serine, which is neutral and polar, at codon 398 of the SYNE1 protein (p.Arg398Ser). This variant is not present in population databases (gnomAD no frequency). This variant has not been reported in the literature in individuals affected with SYNE1-related conditions. ClinVar contains an entry for this variant (Variation ID: 2094938). An algorithm developed to predict the effect of missense changes on protein structure and function (PolyPhen-2) suggests that this variant is likely to be disruptive. In summary, the available evidence is currently insufficient to determine the role of this variant in disease. Therefore, it has been classified as a Variant of Uncertain Significance.

NM_182961.4(SYNE1):c.1173A>C (p.Arg391Ser)

Gene: SYNE1 (spectrin repeat containing nuclear envelope protein 1; minus strand). Cytogenetic location: 6q25.2.
Variant type: single nucleotide variant.
Coding change: c.1173A>C on transcript NM_182961.4 (MANE Select); coding-DNA position 1173, A replaced by C.
Protein change: p.Arg391Ser; replaces arginine 391 with serine.
Molecular consequence: missense variant.
Genome position (GRCh38, 1-based): chr6:152,484,847, T>G on the plus strand (A>C on the coding strand, the complement: SYNE1 is on the minus strand). VCF-style: chr6-152484847-T-G. GRCh37 (hg19) VCF-style: chr6-152805982-T-G.
Other names: c.1194A>C, p.Arg398Ser (NM_033071.5); short protein forms R391S, R398S.
Identifiers: ClinVar variation 2094938 (VCV002094938.4), dbSNP rs759167991, ClinGen allele CA366141410.